The following is an entry in ClinVar:

NM_001244008.2(KIF1A):c.2409C>T (p.Asn803=)

Gene: KIF1A (kinesin family member 1A; minus strand). Cytogenetic location: 2q37.3.
Variant type: single nucleotide variant.
Coding change: c.2409C>T on transcript NM_001244008.2 (MANE Select); coding-DNA position 2409, C replaced by T.
Protein change: p.Asn803=; no amino-acid change (asparagine 803 retained).
Molecular consequence: synonymous variant.
Genome position (GRCh38, 1-based): chr2:240,760,700, G>A on the plus strand (C>T on the coding strand, the complement: KIF1A is on the minus strand). VCF-style: chr2-240760700-G-A. GRCh37 (hg19) VCF-style: chr2-241700117-G-A.
Other names: c.2409C>T, p.Asn803= (NM_001320705.2, NM_001330289.2, NM_001379638.1); c.2484C>T, p.Asn828= (NM_001330290.2, NM_001379631.1, NM_001379634.1 and 2 more transcripts); c.2382C>T, p.Asn794= (NM_001379632.1, NM_001379633.1, NM_001379636.1 and 10 more transcripts); c.2457C>T, p.Asn819= (NM_001379637.1, NM_001379648.1).
Identifiers: ClinVar variation 728046 (VCV000728046.34), dbSNP rs746800505, ClinGen allele CA2208109.
Genomic context (GRCh38, chr2:240,760,700, plus strand): 5'-CCACCCAGCGGCCCTCCAGCCCCACCTGAGCTTCTCCAGCGTCCAGTAGTGGGTGGCCCC[G>A]TTCTTCTGGTCCTGGACCTCCACGGCCACAATGGTGCGGGGGAAGGGCCGCGTCTCTCGG-3'
Protein context (NP_001230937.1, residues 793-813): IVAVEVQDQK[Asn803=]GATHYWTLEK

ClinVar aggregate classification (germline): Likely benign. Review status: criteria provided, multiple submitters, no conflicts (2 of 4 stars). 3 submissions from 3 submitters: Likely benign (3). Last evaluated 2025-09-24.

Conditions:
Hereditary spastic paraplegia. Also called: Familial spastic paraparesis. Identifiers: Orphanet 685, MedGen C0037773, MONDO:0019064. Disease mechanism: loss of function.
Neuropathy, hereditary sensory, type 2C. Also called: Hereditary sensory and autonomic neuropathy type IIC; KIF1A-Related HSAN2 (HSAN2C). Identifiers: Orphanet 970, MedGen C3280168, MONDO:0013634, OMIM 614213.
Intellectual disability, autosomal dominant 9 (NESCAVS). Also called: NESCAV SYNDROME; KIF1A-Related Neurodevelopmental Disorder. Identifiers: Orphanet 662367, MedGen C5393830, MONDO:0013656, OMIM 614255.
Hereditary spastic paraplegia 30. Identifiers: Orphanet 101010, MedGen C5235139, MONDO:0012476.

Allele frequency attached by ClinVar (database versions not stated): gnomAD 0.00003 and 0.00005; TOPMed 0.00003; gnomAD exomes 0.00004 and 0.00005; ExAC 0.00012.
gnomAD v4.1: 63 of 1,574,022 alleles (0.004%); highest among the groups gnomAD compares: South Asian, 0.04%; no homozygotes.

Submissions (3):

Labcorp Genetics (formerly Invitae), Labcorp
Classification: Likely benign for Hereditary spastic paraplegia 30; Neuropathy, hereditary sensory, type 2C; Intellectual disability, autosomal dominant 9. Last evaluated: 2025-09-24. Review status: criteria provided, single submitter. Criteria: Invitae Variant Classification Sherloc (09022015). Collection method: clinical testing. Allele origin: germline.

CeGaT Center for Human Genetics Tuebingen
Classification: Likely benign. Last evaluated: 2022-10-01. Review status: criteria provided, single submitter. Criteria: CeGaT Center For Human Genetics Tuebingen Variant Classification Criteria Version 2. Collection method: clinical testing. Allele origin: germline. Affected: yes. Observed: 1 variant allele.
Comment: KIF1A: BP4, BP7

Genome Diagnostics Laboratory, The Hospital for Sick Children
Classification: Likely benign for Hereditary spastic paraplegia. Last evaluated: 2016-12-12. Review status: criteria provided, single submitter. Criteria: ACMG Guidelines, 2015. Collection method: clinical testing. Allele origin: germline. Affected: yes.